The following is an entry in ClinVar:

NM_004560.4(ROR2):c.2207G>A (p.Arg736Gln)

Gene: ROR2 (receptor tyrosine kinase like orphan receptor 2; minus strand). Cytogenetic location: 9q22.31.
Variant type: single nucleotide variant.
Coding change: c.2207G>A on transcript NM_004560.4 (MANE Select); coding-DNA position 2207, G replaced by A.
Protein change: p.Arg736Gln; replaces arginine 736 with glutamine.
Molecular consequence: missense variant.
Genome position (GRCh38, 1-based): chr9:91,724,287, C>T on the plus strand (G>A on the coding strand, the complement: ROR2 is on the minus strand). VCF-style: chr9-91724287-C-T. GRCh37 (hg19) VCF-style: chr9-94486569-C-T.
Other names: short protein forms R736Q.
Identifiers: ClinVar variation 983468 (VCV000983468.3), dbSNP rs980417569, ClinGen allele CA195322567.

ClinVar aggregate classification (germline): Uncertain significance. Review status: criteria provided, single submitter (1 of 4 stars). 2 submissions from 2 submitters: Uncertain significance (1). 1 of the submissions does not count toward it. Last evaluated 2024-08-14.

Conditions:
Autosomal recessive Robinow syndrome (RRS1). Also called: ROR2-Related Robinow Syndrome; COSTOVERTEBRAL SEGMENTATION DEFECT WITH MESOMELIA; COVESDEM SYNDROME; ROBINOW SYNDROME, AUTOSOMAL RECESSIVE 1. Identifiers: Orphanet 1507, Orphanet 97360, MedGen C5399974, MONDO:0009999, OMIM 268310.

Allele frequency attached by ClinVar (database versions not stated): TOPMed 0.00001.
gnomAD v4.1: 3 of 1,613,220 alleles (0.00019%); highest among the groups gnomAD compares: Non-Finnish European, 0.00025%; no homozygotes.

Submissions (2):

Labcorp Genetics (formerly Invitae), Labcorp
Classification: Uncertain significance. Last evaluated: 2024-08-14. Review status: criteria provided, single submitter. Criteria: Invitae Variant Classification Sherloc (09022015). Collection method: clinical testing. Allele origin: germline.
Comment: This sequence change replaces arginine, which is basic and polar, with glutamine, which is neutral and polar, at codon 736 of the ROR2 protein (p.Arg736Gln). This variant is present in population databases (no rsID available, gnomAD 0.003%). This missense change has been observed in individual(s) with autosomal recessive Robinow syndrome (PMID: 35344616). ClinVar contains an entry for this variant (Variation ID: 983468). Invitae Evidence Modeling of protein sequence and biophysical properties (such as structural, functional, and spatial information, amino acid conservation, physicochemical variation, residue mobility, and thermodynamic stability) indicates that this missense variant is expected to disrupt ROR2 protein function with a positive predictive value of 80%. In summary, the available evidence is currently insufficient to determine the role of this variant in disease. Therefore, it has been classified as a Variant of Uncertain Significance.

Lupski Lab, Baylor-Hopkins CMG, Baylor College of Medicine
Classification: Likely pathogenic for Autosomal recessive Robinow syndrome. Review status: no assertion criteria provided. Collection method: research. Allele origin: inherited, unknown. Affected: yes and no. Observed: 2 variant alleles. Not counted in ClinVar's aggregate classification.

Literature cited by the submitters: PubMed 35344616 (cited by Labcorp Genetics (formerly Invitae), Labcorp).